The following is an entry in ClinVar:

NM_152419.3(HGSNAT):c.773A>G (p.Asn258Ser)

Gene: HGSNAT (heparan-alpha-glucosaminide N-acetyltransferase; plus strand). Cytogenetic location: 8p11.21.
Variant type: single nucleotide variant.
Coding change: c.773A>G on transcript NM_152419.3 (MANE Select); coding-DNA position 773, A replaced by G.
Protein change: p.Asn258Ser; replaces asparagine 258 with serine.
Molecular consequence: missense variant. On other transcripts: 5 prime UTR variant (1).
Genome position (GRCh38, 1-based): chr8:43,172,339, A>G. VCF-style: chr8-43172339-A-G. GRCh37 (hg19) VCF-style: chr8-43027482-A-G.
Other names: c.773A>G, p.Asn258Ser (NM_001363227.2, NM_001363228.2); c.-61A>G (NM_001363229.2); short protein forms N258S.
Identifiers: ClinVar variation 1500323 (VCV001500323.8), dbSNP rs767574122, ClinGen allele CA4736626.

ClinVar aggregate classification (germline): Likely pathogenic (1 of 4 stars; one submission).

Conditions:
Mucopolysaccharidosis, MPS-III-C (MPS3C). Also called: SANFILIPPO SYNDROME C; MPS III C; MPS IIIC (Sanfilippo Syndrome Type C); MUCOPOLYSACCHARIDOSIS, TYPE IIIC; Mucopolysaccharidosis type IIIC (Sanfilippo C); mucopolysaccharidosis type 3C. Identifiers: Orphanet 581, Orphanet 79271, MedGen C0086649, MONDO:0009657, OMIM 252930.
Retinitis pigmentosa 73 (RP73). Identifiers: Orphanet 791, MedGen C4225287, MONDO:0014687, OMIM 616544.

Allele frequency attached by ClinVar (database versions not stated): ExAC 0.00001; gnomAD exomes 0.00001 and below 0.00001.
gnomAD v4.1: 8 of 1,612,254 alleles (0.0005%); highest among the groups gnomAD compares: Non-Finnish European, 0.00068%; no homozygotes.

Submission:

Labcorp Genetics (formerly Invitae), Labcorp
Classification: Likely pathogenic for Retinitis pigmentosa 73; Mucopolysaccharidosis, MPS-III-C. Last evaluated: 2022-07-25. Review status: criteria provided, single submitter. Criteria: Invitae Variant Classification Sherloc (09022015). Collection method: clinical testing. Allele origin: germline.
Comment: This sequence change replaces asparagine, which is neutral and polar, with serine, which is neutral and polar, at codon 258 of the HGSNAT protein (p.Asn258Ser). This variant is present in population databases (rs767574122, gnomAD 0.0009%). This variant has not been reported in the literature in individuals affected with HGSNAT-related conditions. ClinVar contains an entry for this variant (Variation ID: 1500323). Advanced modeling of protein sequence and biophysical properties (such as structural, functional, and spatial information, amino acid conservation, physicochemical variation, residue mobility, and thermodynamic stability) performed at Invitae indicates that this missense variant is expected to disrupt HGSNAT protein function. Algorithms developed to predict the effect of sequence changes on RNA splicing suggest that this variant may create or strengthen a splice site. This variant disrupts the p.Asn258 amino acid residue in HGSNAT. Other variant(s) that disrupt this residue have been determined to be pathogenic (PMID: 31228227). This suggests that this residue is clinically significant, and that variants that disrupt this residue are likely to be disease-causing. In summary, the currently available evidence indicates that the variant is pathogenic, but additional data are needed to prove that conclusively. Therefore, this variant has been classified as Likely Pathogenic.

Literature cited by the submitters: PubMed 31228227.